The following is an entry in ClinVar:

NM_000400.4(ERCC2):c.1808A>G (p.Lys603Arg)

Gene: ERCC2 (ERCC excision repair 2, TFIIH core complex helicase subunit; minus strand). Cytogenetic location: 19q13.32.
Variant type: single nucleotide variant.
Coding change: c.1808A>G on transcript NM_000400.4 (MANE Select); coding-DNA position 1808, A replaced by G.
Protein change: p.Lys603Arg; replaces lysine 603 with arginine.
Molecular consequence: missense variant.
Genome position (GRCh38, 1-based): chr19:45,353,106, T>C on the plus strand (A>G on the coding strand, the complement: ERCC2 is on the minus strand). VCF-style: chr19-45353106-T-C. GRCh37 (hg19) VCF-style: chr19-45856364-T-C.
Other names: short protein forms K603R.
Identifiers: ClinVar variation 3276217 (VCV003276217.1).

ClinVar aggregate classification (germline): Uncertain significance (1 of 4 stars; one submission).

Conditions:
Inborn genetic diseases. Identifiers: MedGen C0950123, MeSH D030342.

gnomAD v4.1: 1 of 1,613,322 alleles (0.000062%); highest among the groups gnomAD compares: Non-Finnish European, 0.000085%; no homozygotes.

Submission:

Ambry Genetics
Classification: Uncertain significance for Inborn genetic diseases. Last evaluated: 2024-03-29. Review status: criteria provided, single submitter. Criteria: Ambry Variant Classification Scheme 2023. Collection method: clinical testing. Allele origin: germline.
Comment: The p.K603R variant (also known as c.1808A>G), located in coding exon 19 of the ERCC2 gene, results from an A to G substitution at nucleotide position 1808. The lysine at codon 603 is replaced by arginine, an amino acid with highly similar properties. This amino acid position is conserved. In addition, this alteration is predicted to be deleterious by in silico analysis. Based on the available evidence, the clinical significance of this alteration remains unclear.